The following is an entry in ClinVar:

ClinVar aggregate classification (germline): Likely pathogenic (1 of 4 stars; one submission).

Conditions:
SLC5A2-related disorder. Also called: SLC5A2-related condition.

Submission:

PreventionGenetics, part of Exact Sciences
Classification: Likely pathogenic for SLC5A2-related condition. Last evaluated: 2022-08-19. Review status: criteria provided, single submitter. Criteria: ACMG Guidelines, 2015. Collection method: clinical testing. Allele origin: germline.
Comment: The SLC5A2 c.1593delT variant is predicted to result in a frameshift and premature protein termination (p.Ile531Metfs*66). To our knowledge, this variant has not been reported in the literature. This variant is reported in 0.0035% of alleles in individuals of European (Non-Finnish) descent in gnomAD. Frameshift variants in SLC5A2 are expected to be pathogenic. This variant is interpreted as likely pathogenic.

NM_003041.4(SLC5A2):c.1593del (p.Ile531fs)

Gene: SLC5A2 (solute carrier family 5 member 2; plus strand). Cytogenetic location: 16p11.2.
Variant type: Deletion.
Coding change: c.1593del on transcript NM_003041.4 (MANE Select); coding-DNA position 1593, one base deleted (T; older notation c.1593delT).
Protein change: p.Ile531fs; shifts the reading frame from isoleucine 531.
Molecular consequence: frameshift variant. On other transcripts: non-coding transcript variant (1).
Genome position (GRCh38, 1-based): chr16:31,489,266, T deleted; the last of 2 consecutive T bases (chr16:31,489,265-31,489,266); deleting either gives the same sequence. VCF-style (leftmost placement, unchanged base first): chr16-31489264-AT-A. GRCh37 (hg19) VCF-style: chr16-31500585-AT-A.
Other names: short protein forms I531fs.
Identifiers: ClinVar variation 2632103 (VCV002632103.1), dbSNP rs757061289, ClinGen allele CA8031223.